The following is an entry in ClinVar:

NM_004006.3(DMD):c.8995G>C (p.Ala2999Pro)

Gene: DMD (dystrophin; minus strand). Cytogenetic location: Xp21.2.
Variant type: single nucleotide variant.
Coding change: c.8995G>C on transcript NM_004006.3 (MANE Select); coding-DNA position 8995, G replaced by C.
Protein change: p.Ala2999Pro; replaces alanine 2999 with proline.
Molecular consequence: missense variant.
Genome position (GRCh38, 1-based): chrX:31,444,570, C>G on the plus strand (G>C on the coding strand, the complement: DMD is on the minus strand). VCF-style: chrX-31444570-C-G. GRCh37 (hg19) VCF-style: chrX-31462687-C-G.
Other names: c.8971G>C, p.Ala2991Pro (NM_000109.4); c.8983G>C, p.Ala2995Pro (NM_004009.3); c.8626G>C, p.Ala2876Pro (NM_004010.3); c.4972G>C, p.Ala1658Pro (NM_004011.4); c.4963G>C, p.Ala1655Pro (NM_004012.4); c.1615G>C, p.Ala539Pro (NM_004013.3, NM_004020.4, NM_004021.3 and 2 more transcripts); c.808G>C, p.Ala270Pro (NM_004014.3); short protein forms A1655P, A1658P, A270P, A2991P, A2876P, A2999P, A2995P, A539P.
Identifiers: ClinVar variation 3502581 (VCV003502581.1).

ClinVar aggregate classification (germline): Uncertain significance (1 of 4 stars; one submission).

Conditions:
Cardiovascular phenotype. Identifiers: MedGen CN230736.

Submission:

Ambry Genetics
Classification: Uncertain significance for Cardiovascular phenotype. Last evaluated: 2024-08-27. Review status: criteria provided, single submitter. Criteria: Ambry Variant Classification Scheme 2023. Collection method: clinical testing. Allele origin: germline.
Comment: The p.A2999P variant (also known as c.8995G>C), located in coding exon 60 of the DMD gene, results from a G to C substitution at nucleotide position 8995. The alanine at codon 2999 is replaced by proline, an amino acid with highly similar properties. This amino acid position is well conserved in available vertebrate species. In addition, this alteration is predicted to be tolerated by in silico analysis. Based on the available evidence, the clinical significance of this variant remains unclear.